The following is an entry in ClinVar:

ClinVar aggregate classification (germline): Uncertain significance (1 of 4 stars; one submission).

Conditions:
Benign neonatal seizures. Also called: Benign neonatal familial convulsions; Benign familial neonatal seizures; Convulsions benign familial neonatal dominant form; Autosomal dominant form of benign neonatal seizures; Benign familial neonatal epilepsy. Identifiers: Orphanet 1949, MedGen C0220669, MONDO:0016027.

Allele frequency attached by ClinVar (database versions not stated): gnomAD exomes below 0.00001.
gnomAD v4.1: 1 of 1,614,194 alleles (0.000062%); no homozygotes.

Submission:

Labcorp Genetics (formerly Invitae), Labcorp
Classification: Uncertain significance for Benign neonatal seizures. Last evaluated: 2022-03-08. Review status: criteria provided, single submitter. Criteria: Invitae Variant Classification Sherloc (09022015). Collection method: clinical testing. Allele origin: germline.
Comment: In summary, the available evidence is currently insufficient to determine the role of this variant in disease. Therefore, it has been classified as a Variant of Uncertain Significance. Advanced modeling of protein sequence and biophysical properties (such as structural, functional, and spatial information, amino acid conservation, physicochemical variation, residue mobility, and thermodynamic stability) performed at Invitae indicates that this missense variant is not expected to disrupt KCNQ3 protein function. This variant has not been reported in the literature in individuals affected with KCNQ3-related conditions. This variant is present in population databases (no rsID available, gnomAD 0.003%). This sequence change replaces arginine, which is basic and polar, with lysine, which is basic and polar, at codon 802 of the KCNQ3 protein (p.Arg802Lys).

NM_004519.4(KCNQ3):c.2405G>A (p.Arg802Lys)

Gene: KCNQ3 (potassium voltage-gated channel subfamily Q member 3; minus strand). Cytogenetic location: 8q24.22.
Variant type: single nucleotide variant.
Coding change: c.2405G>A on transcript NM_004519.4 (MANE Select); coding-DNA position 2405, G replaced by A.
Protein change: p.Arg802Lys; replaces arginine 802 with lysine.
Molecular consequence: missense variant.
Genome position (GRCh38, 1-based): chr8:132,129,476, C>T on the plus strand (G>A on the coding strand, the complement: KCNQ3 is on the minus strand). VCF-style: chr8-132129476-C-T. GRCh37 (hg19) VCF-style: chr8-133141723-C-T.
Other names: c.2045G>A, p.Arg682Lys (NM_001204824.2); short protein forms R682K, R802K.
Identifiers: ClinVar variation 1518566 (VCV001518566.8), dbSNP rs1459646148, ClinGen allele CA372215970.